The following is an entry in ClinVar:

GRCh38/hg38 22q11.22(chr22:21953009-22219245)x1

Genes: IGL (immunoglobulin lambda locus; plus strand), IGLV10-54 (immunoglobulin lambda variable 10-54; plus strand), IGLV11-55 (immunoglobulin lambda variable 11-55 (non-functional); plus strand), IGLV4-60 (immunoglobulin lambda variable 4-60; plus strand), IGLV4-69 (immunoglobulin lambda variable 4-69; plus strand) and 18 more. Cytogenetic location: 22q11.22.
Variant type: copy number loss.
Change: copy number 1 (one copy instead of two) of chr22:21,953,009-22,219,245 (266.2 kb, GRCh38 coordinates, 1-based), cytogenetic band 22q11.22.
Identifiers: ClinVar variation 5038319 (VCV005038319.1).

ClinVar aggregate classification (germline): Uncertain significance (1 of 4 stars; one submission).

Submission:

Clinical Genomics Laboratory, Laboratory for Precision Diagnostics, University of Washington
Classification: Uncertain significance. Last evaluated: 2025-11-10. Review status: criteria provided, single submitter. Criteria: ACMG/ClinGen CNV Guidelines, 2019. Collection method: clinical testing. Allele origin: unknown. Affected: yes. Observed: 1 variant allele.
Comment: This interstitial deletion is approximately 266 kb in size and removes a single protein-coding gene, TOP3B (OMIM 603582). This deletion falls within the critical region for distal 22q11.2 recurrent microdeletion, but TOP3B itself is not known to cause medical problems in humans when one copy is deleted. ClinGen curation of TOP3B found "no evidence for dosage sensitivity" (last evaluated 7/13/2022), and TOP3B is not predicted to be haploinsufficient by any of the four models. Similar deletions are found in both DGV and gnomAD, two databases of copy number variants seen in healthy control groups. Similar deletions are also found in both DECIPHER and ClinVar, two databases of copy number variants seen in people having clinical testing. This deletion has been seen several previous times in our laboratory, and the reason for testing has been variable.